The following is an entry in ClinVar:

NM_002528.7(NTHL1):c.526-1G>A

Gene: NTHL1 (nth like DNA glycosylase 1; minus strand). Cytogenetic location: 16p13.3.
Variant type: single nucleotide variant.
Coding change: c.526-1G>A on transcript NM_002528.7 (MANE Select); the canonical splice acceptor site of the intron before coding-DNA position 526, G replaced by A.
Molecular consequence: splice acceptor variant.
Genome position (GRCh38, 1-based): chr16:2,043,727, C>T on the plus strand (G>A on the coding strand, the complement: NTHL1 is on the minus strand). VCF-style: chr16-2043727-C-T. GRCh37 (hg19) VCF-style: chr16-2093728-C-T.
Other names: c.196-1G>A (NM_001318194.2); c.355-1G>A (NM_001318193.2).
Identifiers: ClinVar variation 665971 (VCV000665971.33), dbSNP rs779757251, ClinGen allele CA7828207.

ClinVar aggregate classification (germline): Pathogenic/Likely pathogenic. Review status: criteria provided, multiple submitters, no conflicts (2 of 4 stars). 12 submissions from 12 submitters: Pathogenic (6); Likely pathogenic (6). Last evaluated 2026-07-16.

Conditions:
NTHL1-related disorder. Also called: NTHL1-related condition; NTHL1-related conditions.
Familial adenomatous polyposis 3. Also called: NTHL1-Related Adenomatous Polyposis and Colorectal Cancer; NTHL1-associated polyposis; NTHL1-related attenuated familial adenomatous polyposis; NTHL1 Tumor Syndrome. Identifiers: Orphanet 220460, Orphanet 454840, MedGen C4225157, MONDO:0014630, OMIM 616415.
Hereditary cancer-predisposing syndrome. Also called: Tumor predisposition; Hereditary neoplastic syndrome; Hereditary Cancer Syndrome; Neoplastic Syndromes, Hereditary. Identifiers: Orphanet 140162, MedGen C0027672, MeSH D009386, MONDO:0015356.

Allele frequency attached by ClinVar (database versions not stated): ExAC 0.00003; gnomAD exomes 0.00003 and 0.00008; TOPMed 0.00006; gnomAD 0.00007 and 0.00008.

Submissions (12):

PreventionGenetics, part of Exact Sciences
Classification: Likely pathogenic for NTHL1-related condition. Last evaluated: 2026-07-16. Review status: criteria provided, single submitter. Criteria: ACMG Guidelines, 2015. Collection method: clinical testing. Allele origin: germline.
Comment: The NTHL1 c.550-1G>A variant is predicted to disrupt the AG splice acceptor site and interfere with normal splicing. This variant has been reported in the homozygous or compound heterozygous state in several individuals with features of familial adenomatous polyposis 3 (Belhadj et al. 2019. PubMed ID: 31227763; Boulouard et al. 2021. PubMed ID: 33454955). This variant is reported in 0.032% of alleles in individuals of Latino descent in gnomAD and is interpreted as pathogenic and likely pathogenic in ClinVar (ClinVar ID: 665971). Variants that disrupt the consensus splice acceptor site in NTHL1 are expected to be pathogenic. This variant is interpreted as likely pathogenic.

Labcorp Genetics (formerly Invitae), Labcorp
Classification: Pathogenic. Last evaluated: 2026-02-03. Review status: criteria provided, single submitter. Criteria: Invitae Variant Classification Sherloc (09022015). Collection method: clinical testing. Allele origin: germline.
Comment: This sequence change affects an acceptor splice site in intron 3 of the NTHL1 gene. RNA analysis indicates that disruption of this splice site induces altered splicing and may result in an absent or altered protein product. This variant is present in population databases (rs779757251, gnomAD 0.03%). Disruption of this splice site has been observed in individual(s) with NTHL1-related conditions (PMID: 31227763). In at least one individual the data is consistent with being in trans (on the opposite chromosome) from a pathogenic variant. ClinVar contains an entry for this variant (Variation ID: 665971). Studies have shown that disruption of this splice site results in activation of a cryptic splice site, and produces a non-functional protein and/or introduces a premature termination codon (internal data). For these reasons, this variant has been classified as Pathogenic.

Ambry Genetics
Classification: Likely pathogenic for Hereditary cancer-predisposing syndrome. Last evaluated: 2025-10-17. Review status: criteria provided, single submitter. Criteria: Ambry Variant Classification Scheme 2023. Collection method: clinical testing. Allele origin: germline.
Comment: The c.550-1G>A intronic variant results from a G to A substitution one nucleotide upstream from coding exon 4 of the NTHL1 gene. The predicted transcript occurs at the 3' terminus of the gene, is not expected to trigger nonsense-mediated mRNA decay, and impacts the last 41 AA of the protein. The exact functional effect of this alteration is unknown; however, the region predicted to be impacted is critical for protein function and a significant portion of the protein is affected (Ambry internal data). This variant has been identified in the homozygous state and/or in conjunction with other NTHL1 variant(s) in individual(s) who met clinical criteria for NTHL1-related adenomatous polyposis; in at least one instance, the variants were identified in trans (Belhadj S et al. Sci Rep, 2019 06;9:9020). This variant is considered to be rare based on population cohorts in the Genome Aggregation Database (gnomAD). This nucleotide position is highly conserved in available vertebrate species. In silico splice site analysis predicts that this alteration will weaken the native splice acceptor site and will result in the creation or strengthening of a novel splice acceptor site. Based on the majority of available evidence to date, this variant is likely to be pathogenic.

GeneDx
Classification: Pathogenic. Last evaluated: 2025-08-03. Review status: criteria provided, single submitter. Criteria: GeneDx Variant Classification Process June 2021. Collection method: clinical testing. Allele origin: germline. Affected: yes.
Comment: Canonical splice site variant predicted to result in a null allele in a gene for which loss of function is a known mechanism of disease; This variant is associated with the following publications: (PMID: 29625052, 31227763, 34308104, 33454955, 36451132)

Molecular Pathology, Peter Maccallum Cancer Centre
Classification: Likely pathogenic for Familial adenomatous polyposis 3. Last evaluated: 2025-05-26. Review status: criteria provided, single submitter. Criteria: ACMG Guidelines, 2015. Collection method: clinical testing. Allele origin: germline. Inheritance: Autosomal recessive inheritance.

Dasa
Classification: Pathogenic. Last evaluated: 2024-12-27. Review status: criteria provided, single submitter. Criteria: DASA Assertion Criteria. Collection method: clinical testing. Allele origin: germline.
Comment: NM_002528.7(NTHL1):c.526-1G>A alters a canonical splice acceptor site predicted to disrupt normal RNA splicing and result in loss of normal protein function. Loss-of-function is an established mechanism of disease for this gene, with reports in individuals with NTHL1-associated polyposis. Based on the available data, this variant is classified as pathogenic.

St. Jude Molecular Pathology, St. Jude Children's Research Hospital
Classification: Likely pathogenic for Familial adenomatous polyposis 3. Last evaluated: 2024-06-26. Review status: criteria provided, single submitter. Criteria: St. Jude Assertion Criteria 2020. Collection method: clinical testing. Allele origin: germline.
Comment: The NTHL1 c.526-1G>A intronic change results in a G to A substitution at the -1 position of intron 3 of the NTHL1 gene. This variant is predicted to result in aberrant splicing, likely resulting in an absent or abnormal protein product. This variant has been reported in conjunction with another pathogenic variant in an individual with multiple colorectal adenomas (PMID: 31227763). This change has a maximum subpopulation frequency of 0.03% in gnomAD v2.1.1. In summary, this variant meets criteria to be classified as likely pathogenic.?

Baylor Genetics
Classification: Pathogenic for Familial adenomatous polyposis 3. Last evaluated: 2024-03-21. Review status: criteria provided, single submitter. Criteria: ACMG Guidelines, 2015. Collection method: clinical testing. Allele origin: unknown.

Myriad Genetics, Inc.
Classification: Likely pathogenic for Familial adenomatous polyposis 3. Last evaluated: 2023-09-05. Review status: criteria provided, single submitter. Criteria: Myriad Autosomal Dominant, Autosomal Recessive and X-Linked Classification Criteria (2023). Collection method: clinical testing. Allele origin: unknown.
Comment: This variant is considered likely pathogenic. This variant occurs within a consensus splice junction and is predicted to result in abnormal mRNA splicing of either an out-of-frame exon or an in-frame exon necessary for protein stability and/or normal function.

Fulgent Genetics
Classification: Likely pathogenic for Familial adenomatous polyposis 3. Last evaluated: 2022-01-13. Review status: criteria provided, single submitter. Criteria: ACMG Guidelines, 2015. Collection method: clinical testing. Allele origin: unknown.

MGZ Medical Genetics Center
Classification: Pathogenic for Familial adenomatous polyposis 3. Last evaluated: 2021-11-29. Review status: criteria provided, single submitter. Criteria: ACMG Guidelines, 2015. Collection method: clinical testing. Allele origin: germline. Affected: yes. Observed: 1 variant allele.
Comment: ACMG criteria applied: PVS1, PM2_SUP, PM3_SUP

Sema4
Classification: Pathogenic for Hereditary cancer-predisposing syndrome. Last evaluated: 2021-06-23. Review status: criteria provided, single submitter. Criteria: Sema4 Curation Guidelines. Collection method: curation. Allele origin: germline.
Comment: The NTHL1 c.550-1G>A variant has been reported as homozygous and compound heterozygous in several individuals with colorectal cancer, polyposis, breast cancer, and/or pancreatic cacncer (PMID: 31227763, 29625052, 33454955). It is also known as c.526-1G>A in the literature. This variant affects a nucleotide within a consensus splice site of an intron, which is predicted to alter normal splicing and cause a loss of function. Loss of function variants in NTHL1 are known to be pathogenic (PMID: 25938944). This variant was observed in 11/34538 chromosomes in the Latino population, with no homozygotes, according to the Genome Aggregation Database (PMID: 32461654) and has been reported in ClinVar (Variation ID: 665971). Based on the current evidence available, this variant is interpreted as pathogenic.

Literature cited by the submitters: PubMed 31227763 (cited by 3 submitters); PubMed 29625052 (cited by Sema4); PubMed 33454955 (cited by Sema4); PubMed 25938944 (cited by Sema4).